The following is an entry in ClinVar:

ClinVar aggregate classification (germline): Conflicting classifications of pathogenicity. Review status: criteria provided, conflicting classifications (1 of 4 stars). 2 submissions from 2 submitters: Uncertain significance (1); Likely benign (1). Last evaluated 2026-01-10.

Conditions:
Hereditary cancer-predisposing syndrome. Also called: Neoplastic Syndromes, Hereditary; Tumor predisposition; Hereditary neoplastic syndrome; Hereditary Cancer Syndrome. Identifiers: Orphanet 140162, MedGen C0027672, MeSH D009386, MONDO:0015356.
Gorlin syndrome. Also called: Basal cell nevus syndrome; Nevoid Basal Cell Carcinoma Syndrome. Identifiers: Orphanet 377, MedGen C0004779, MONDO:0007187.

Allele frequency attached by ClinVar (database versions not stated): gnomAD exomes below 0.00001.
gnomAD v4.1: 1 of 1,614,248 alleles (0.000062%); highest among the groups gnomAD compares: Non-Finnish European, 0.000085%; no homozygotes.

Submissions (2):

Labcorp Genetics (formerly Invitae), Labcorp
Classification: Likely benign for Gorlin syndrome. Last evaluated: 2026-01-10. Review status: criteria provided, single submitter. Criteria: Invitae Variant Classification Sherloc (09022015). Collection method: clinical testing. Allele origin: germline.

Ambry Genetics
Classification: Uncertain significance for Hereditary cancer-predisposing syndrome. Last evaluated: 2025-08-13. Review status: criteria provided, single submitter. Criteria: Ambry Variant Classification Scheme 2023. Collection method: clinical testing. Allele origin: germline.
Comment: The p.S861G variant (also known as c.2581A>G), located in coding exon 16 of the PTCH1 gene, results from an A to G substitution at nucleotide position 2581. The serine at codon 861 is replaced by glycine, an amino acid with similar properties. This amino acid position is not well conserved in available vertebrate species. In addition, this alteration is predicted to be tolerated by in silico analysis. Based on the available evidence, the clinical significance of this variant remains unclear.

NM_000264.5(PTCH1):c.2581A>G (p.Ser861Gly)

Gene: PTCH1 (patched 1; minus strand). Cytogenetic location: 9q22.32.
Variant type: single nucleotide variant.
Coding change: c.2581A>G on transcript NM_000264.5 (MANE Select); coding-DNA position 2581, A replaced by G.
Protein change: p.Ser861Gly; replaces serine 861 with glycine.
Molecular consequence: missense variant. On other transcripts: non-coding transcript variant (1).
Genome position (GRCh38, 1-based): chr9:95,461,978, T>C on the plus strand (A>G on the coding strand, the complement: PTCH1 is on the minus strand). VCF-style: chr9-95461978-T-C. GRCh37 (hg19) VCF-style: chr9-98224260-T-C.
Other names: c.2383A>G, p.Ser795Gly (NM_001083602.3); c.2578A>G, p.Ser860Gly (NM_001083603.3); c.2128A>G, p.Ser710Gly (NM_001083604.3, NM_001083605.3, NM_001083606.3 and 1 more transcripts); c.2425A>G, p.Ser809Gly (NM_001354918.2); short protein forms S860G, S710G, S809G, S861G, S795G.
Identifiers: ClinVar variation 1793378 (VCV001793378.6), dbSNP rs1338982883, ClinGen allele CA374113550.